The following is an entry in ClinVar:

NM_021619.3(PRDM12):c.472C>T (p.Arg158Trp)

Gene: PRDM12 (PR/SET domain 12; plus strand). Cytogenetic location: 9q34.12.
Variant type: single nucleotide variant.
Coding change: c.472C>T on transcript NM_021619.3 (MANE Select); coding-DNA position 472, C replaced by T.
Protein change: p.Arg158Trp; replaces arginine 158 with tryptophan.
Molecular consequence: missense variant.
Genome position (GRCh38, 1-based): chr9:130,668,215, C>T. VCF-style: chr9-130668215-C-T. GRCh37 (hg19) VCF-style: chr9-133543602-C-T.
Other names: short protein forms R158W.
Identifiers: ClinVar variation 1357624 (VCV001357624.8), dbSNP rs371786311, ClinGen allele CA5284548.
Genomic context (GRCh38, chr9:130,668,215, plus strand): 5'-CAGGTGTTCAATGAGGATGGCACGGTGCGCTACTTCATCGATGCCAGCCAGGAGGACCAC[C>T]GGAGCTGGATGACCTACATCAAGTGTGCACGTAACGAACAGGAGCAGAACCTGGAGGTGG-3'
Protein context (NP_067632.2, residues 148-168): YFIDASQEDH[Arg158Trp]SWMTYIKCAR

ClinVar aggregate classification (germline): Uncertain significance. Review status: criteria provided, multiple submitters, no conflicts (2 of 4 stars). 3 submissions from 3 submitters: Uncertain significance (3). Last evaluated 2025-12-21.

Conditions:
Congenital insensitivity to pain-hypohidrosis syndrome. Also called: HSAN VIII; Neuropathy, hereditary sensory and autonomic, type VIII. Identifiers: Orphanet 478664, MedGen C4225308, MONDO:0014662, OMIM 616488.
PRDM12-related disorder. Also called: PRDM12-related condition.
Inborn genetic diseases. Identifiers: MedGen C0950123, MeSH D030342.

Allele frequency attached by ClinVar (database versions not stated): ExAC 0.00001; gnomAD 0.00001; gnomAD exomes 0.00001; TOPMed 0.00002; ESP Exome Variant Server 0.00008.
gnomAD v4.1: 11 of 1,614,034 alleles (0.00068%); highest among the groups gnomAD compares: South Asian, 0.0022%; no homozygotes.

Submissions (3):

PreventionGenetics, part of Exact Sciences
Classification: Uncertain significance for PRDM12-related condition. Last evaluated: 2025-12-21. Review status: criteria provided, single submitter. Criteria: ACMG Guidelines, 2015. Collection method: clinical testing. Allele origin: germline.
Comment: The PRDM12 c.472C>T variant is predicted to result in the amino acid substitution p.Arg158Trp. To our knowledge, this variant has not been reported in the literature. This variant is reported in 0.0065% of alleles in individuals of South Asian descent in gnomAD. At this time, the clinical significance of this variant is uncertain due to the absence of conclusive functional and genetic evidence.

Labcorp Genetics (formerly Invitae), Labcorp
Classification: Uncertain significance for Congenital insensitivity to pain-hypohidrosis syndrome. Last evaluated: 2021-08-31. Review status: criteria provided, single submitter. Criteria: Invitae Variant Classification Sherloc (09022015). Collection method: clinical testing. Allele origin: germline.
Comment: This sequence change replaces arginine with tryptophan at codon 158 of the PRDM12 protein (p.Arg158Trp). The arginine residue is highly conserved and there is a moderate physicochemical difference between arginine and tryptophan. This variant is present in population databases (rs371786311, ExAC 0.002%). This variant has not been reported in the literature in individuals affected with PRDM12-related conditions. Algorithms developed to predict the effect of missense changes on protein structure and function are either unavailable or do not agree on the potential impact of this missense change (SIFT: "Deleterious"; PolyPhen-2: "Probably Damaging"; Align-GVGD: "Class C0"). In summary, the available evidence is currently insufficient to determine the role of this variant in disease. Therefore, it has been classified as a Variant of Uncertain Significance.

Ambry Genetics
Classification: Uncertain significance for Inborn genetic diseases. Last evaluated: 2020-01-21. Review status: criteria provided, single submitter. Criteria: Ambry Variant Classification Scheme 2023. Collection method: clinical testing. Allele origin: germline.
Comment: The p.R158W variant (also known as c.472C>T), located in coding exon 3 of the PRDM12 gene, results from a C to T substitution at nucleotide position 472. The arginine at codon 158 is replaced by tryptophan, an amino acid with dissimilar properties. This amino acid position is highly conserved in available vertebrate species. In addition, the in silico prediction for this alteration is inconclusive. Since supporting evidence is limited at this time, the clinical significance of this alteration remains unclear.